The following is an entry in ClinVar:

NM_000726.5(CACNB4):c.*1942T>C

Gene: CACNB4 (calcium voltage-gated channel auxiliary subunit beta 4; minus strand). Cytogenetic location: 2q23.3.
Variant type: single nucleotide variant.
Coding change: c.*1942T>C on transcript NM_000726.5 (MANE Select); 1942 bases downstream of the stop codon, T replaced by C.
Molecular consequence: 3 prime UTR variant.
Genome position (GRCh38, 1-based): chr2:151,837,177, A>G on the plus strand (T>C on the coding strand, the complement: CACNB4 is on the minus strand). VCF-style: chr2-151837177-A-G. GRCh37 (hg19) VCF-style: chr2-152693691-A-G.
Other names: c.*1942T>C (NM_001005746.4, NM_001005747.4, NM_001145798.3 and 7 more transcripts).
Identifiers: ClinVar variation 331593 (VCV000331593.35), dbSNP rs139629003, ClinGen allele CA10612555.

ClinVar aggregate classification (germline): Benign. Review status: criteria provided, multiple submitters, no conflicts (2 of 4 stars). 2 submissions from 2 submitters: Benign (2). Last evaluated 2023-02-01.

Conditions:
Episodic ataxia type 5. Identifiers: Orphanet 211067, MedGen C1866039, MONDO:0013464, OMIM 613855.

Allele frequency attached by ClinVar (database versions not stated): 1000 Genomes Project 0.00220; TOPMed 0.00232; 1000 Genomes Project 30x 0.00234; gnomAD 0.00296 and 0.00300.

Submissions (2):

CeGaT Center for Human Genetics Tuebingen
Classification: Benign. Last evaluated: 2023-02-01. Review status: criteria provided, single submitter. Criteria: CeGaT Center For Human Genetics Tuebingen Variant Classification Criteria Version 2. Collection method: clinical testing. Allele origin: germline. Affected: yes. Observed: 4 variant alleles.
Comment: CACNB4: BS1, BS2

Illumina Laboratory Services, Illumina
Classification: Benign for Episodic ataxia type 5. Last evaluated: 2018-01-13. Review status: criteria provided, single submitter. Criteria: ICSL Variant Classification Criteria 13 December 2019. Collection method: clinical testing. Allele origin: germline.
Comment: This variant was observed in the ICSL laboratory as part of a predisposition screen in an ostensibly healthy population. It had not been previously curated by ICSL or reported in the Human Gene Mutation Database (HGMD: prior to June 1st, 2018), and was therefore a candidate for classification through an automated scoring system. Utilizing variant allele frequency, disease prevalence and penetrance estimates, and inheritance mode, an automated score was calculated to assess if this variant is too frequent to cause the disease. Based on the score and internal cut-off values, a variant classified as benign is not then subjected to further curation. The score for this variant resulted in a classification of benign for this disease.